The following is an entry in ClinVar:

ClinVar aggregate classification (germline): Uncertain significance (1 of 4 stars; one submission).

Conditions:
Ichthyosis linearis circumflexa. Identifiers: MedGen C0265962, MONDO:0043106, HP:0025810.

Allele frequency attached by ClinVar (database versions not stated): gnomAD exomes below 0.00001 and 0.00001; TOPMed below 0.00001; gnomAD 0.00001; ExAC 0.00002; 1000 Genomes Project 30x 0.00016; 1000 Genomes Project 0.00020.
gnomAD v4.1: 3 of 1,612,726 alleles (0.00019%); highest among the groups gnomAD compares: Admixed American, 0.005%; no homozygotes.

Submission:

Labcorp Genetics (formerly Invitae), Labcorp
Classification: Uncertain significance for Ichthyosis linearis circumflexa. Last evaluated: 2024-02-16. Review status: criteria provided, single submitter. Criteria: Invitae Variant Classification Sherloc (09022015). Collection method: clinical testing. Allele origin: germline.
Comment: This sequence change replaces proline, which is neutral and non-polar, with serine, which is neutral and polar, at codon 249 of the SPINK5 protein (p.Pro249Ser). This variant is present in population databases (rs557324031, gnomAD 0.006%). This variant has not been reported in the literature in individuals affected with SPINK5-related conditions. ClinVar contains an entry for this variant (Variation ID: 934614). Advanced modeling of protein sequence and biophysical properties (such as structural, functional, and spatial information, amino acid conservation, physicochemical variation, residue mobility, and thermodynamic stability) performed at Invitae indicates that this missense variant is not expected to disrupt SPINK5 protein function with a negative predictive value of 80%. In summary, the available evidence is currently insufficient to determine the role of this variant in disease. Therefore, it has been classified as a Variant of Uncertain Significance.

NM_006846.4(SPINK5):c.745C>T (p.Pro249Ser)

Gene: SPINK5 (serine peptidase inhibitor Kazal type 5; plus strand). Cytogenetic location: 5q32.
Variant type: single nucleotide variant.
Coding change: c.745C>T on transcript NM_006846.4 (MANE Select); coding-DNA position 745, C replaced by T.
Protein change: p.Pro249Ser; replaces proline 249 with serine.
Molecular consequence: missense variant.
Genome position (GRCh38, 1-based): chr5:148,094,432, C>T. VCF-style: chr5-148094432-C-T. GRCh37 (hg19) VCF-style: chr5-147473995-C-T.
Other names: c.745C>T, p.Pro249Ser (NM_001127698.2, NM_001127699.2); short protein forms P249S.
Identifiers: ClinVar variation 934614 (VCV000934614.10), dbSNP rs557324031, ClinGen allele CA3495333.
Genomic context (GRCh38, chr5:148,094,432, plus strand): 5'-GAAAAACAAGTGAGAAATGGAAGGCTTTTTTGTACACGGGAGAGTGATCCAGTCCGTGGC[C>T]CTGACGGCAGGATGCATGGCAACAAATGTGCCCTGTGTGCTGAAATTTTGTGAGTATAGA-3'
Protein context (NP_006837.2, residues 239-259): CTRESDPVRG[Pro249Ser]DGRMHGNKCA